The following is an entry in ClinVar:

NM_006767.4(LZTR1):c.54C>G (p.Gly18=)

Genes: LZTR1 (leucine zipper like post translational regulator 1; plus strand), LOC130067016 (ATAC-STARR-seq lymphoblastoid silent region 13504; plus strand). Cytogenetic location: 22q11.21.
Variant type: single nucleotide variant.
Coding change: c.54C>G on transcript NM_006767.4 (MANE Select); coding-DNA position 54, C replaced by G.
Protein change: p.Gly18=; no amino-acid change (glycine 18 retained).
Molecular consequence: synonymous variant.
Genome position (GRCh38, 1-based): chr22:20,982,425, C>G. VCF-style: chr22-20982425-C-G. GRCh37 (hg19) VCF-style: chr22-21336714-C-G.
Identifiers: ClinVar variation 1168614 (VCV001168614.38), dbSNP rs371007598, ClinGen allele CA10118275.

ClinVar aggregate classification (germline): Benign/Likely benign. Review status: criteria provided, multiple submitters, no conflicts (2 of 4 stars). 4 submissions from 4 submitters: Benign (1); Likely benign (3). Last evaluated 2026-01-25.

Conditions:
Hereditary cancer-predisposing syndrome. Also called: Hereditary neoplastic syndrome; Hereditary Cancer Syndrome; Neoplastic Syndromes, Hereditary; Tumor predisposition. Identifiers: Orphanet 140162, MedGen C0027672, MeSH D009386, MONDO:0015356.
Cardiovascular phenotype. Identifiers: MedGen CN230736.

Allele frequency attached by ClinVar (database versions not stated): ESP Exome Variant Server 0.00008; gnomAD 0.00015; TOPMed 0.00015.
gnomAD v4.1: 150 of 1,575,612 alleles (0.0095%); highest among the groups gnomAD compares: Middle Eastern, 0.083%; no homozygotes.

Submissions (4):

Labcorp Genetics (formerly Invitae), Labcorp
Classification: Benign. Last evaluated: 2026-01-25. Review status: criteria provided, single submitter. Criteria: Invitae Variant Classification Sherloc (09022015). Collection method: clinical testing. Allele origin: germline.

CeGaT Center for Human Genetics Tuebingen
Classification: Likely benign. Last evaluated: 2025-11-01. Review status: criteria provided, single submitter. Criteria: CeGaT Center For Human Genetics Tuebingen Variant Classification Criteria Version 2. Collection method: clinical testing. Allele origin: germline. Affected: yes. Observed: 5 variant alleles.
Comment: LZTR1: BP4, BP7

Blueprint Genetics
Classification: Likely benign. Last evaluated: 2024-11-08. Review status: criteria provided, single submitter. Criteria: ACMG Guidelines, 2015. Collection method: clinical testing. Allele origin: germline.

Ambry Genetics
Classification: Likely benign for Cardiovascular phenotype; Hereditary cancer-predisposing syndrome. Last evaluated: 2020-09-08. Review status: criteria provided, single submitter. Criteria: Ambry Variant Classification Scheme 2023. Collection method: clinical testing. Allele origin: germline.